The following is an entry in ClinVar:

NM_001288705.3(CSF1R):c.2483T>C (p.Phe828Ser)

Gene: CSF1R (colony stimulating factor 1 receptor; minus strand). Cytogenetic location: 5q32.
Variant type: single nucleotide variant.
Coding change: c.2483T>C on transcript NM_001288705.3 (MANE Select); coding-DNA position 2483, T replaced by C.
Protein change: p.Phe828Ser; replaces phenylalanine 828 with serine.
Molecular consequence: missense variant. On other transcripts: non-coding transcript variant (2).
Genome position (GRCh38, 1-based): chr5:150,056,097, A>G on the plus strand (T>C on the coding strand, the complement: CSF1R is on the minus strand). VCF-style: chr5-150056097-A-G. GRCh37 (hg19) VCF-style: chr5-149435660-A-G.
Other names: c.2483T>C, p.Phe828Ser (NM_001349736.2, NM_001375320.1, NM_005211.4); c.2039T>C, p.Phe680Ser (NM_001375321.1); short protein forms F828S, F680S.
Identifiers: ClinVar variation 65686 (VCV000065686.3), dbSNP rs397515557, ClinGen allele CA345026.

ClinVar aggregate classification (germline): Pathogenic (0 of 4 stars; one submission).

Conditions:
Hereditary diffuse leukoencephalopathy with spheroids. Also called: LEUKOENCEPHALOPATHY, ADULT-ONSET, WITH AXONAL SPHEROIDS AND PIGMENTED GLIA. Identifiers: Orphanet 313808, MedGen C3711381, MONDO:0030796.

Submission:

GeneReviews
Classification: Pathogenic for CSF1R-Related Hereditary Diffuse Leukoencephalopathy with Spheroids. Last evaluated: 2012-08-30. Review status: no assertion criteria provided. Collection method: curation. Allele origin: unknown.
ClinVar note: Converted during submission from pathologic to Pathogenic.